The following is an entry in ClinVar:

ClinVar aggregate classification (germline): Uncertain significance (1 of 4 stars; one submission).

Conditions:
Atrioventricular septal defect 5 (AVSD5). Identifiers: MedGen C3280939, MONDO:0013769, OMIM 614474.

Submission:

Labcorp Genetics (formerly Invitae), Labcorp
Classification: Uncertain significance for Atrioventricular septal defect 5. Last evaluated: 2025-02-23. Review status: criteria provided, single submitter. Criteria: Invitae Variant Classification Sherloc (09022015). Collection method: clinical testing. Allele origin: germline.
Comment: This sequence change replaces histidine, which is basic and polar, with arginine, which is basic and polar, at codon 333 of the GATA6 protein (p.His333Arg). This variant is not present in population databases (gnomAD no frequency). This variant has not been reported in the literature in individuals affected with GATA6-related conditions. Invitae Evidence Modeling of protein sequence and biophysical properties (such as structural, functional, and spatial information, amino acid conservation, physicochemical variation, residue mobility, and thermodynamic stability) indicates that this missense variant is not expected to disrupt GATA6 protein function with a negative predictive value of 80%. In summary, the available evidence is currently insufficient to determine the role of this variant in disease. Therefore, it has been classified as a Variant of Uncertain Significance.

NM_005257.6(GATA6):c.998A>G (p.His333Arg)

Gene: GATA6 (GATA binding protein 6; plus strand). Cytogenetic location: 18q11.2.
Variant type: single nucleotide variant.
Coding change: c.998A>G on transcript NM_005257.6 (MANE Select); coding-DNA position 998, A replaced by G.
Protein change: p.His333Arg; replaces histidine 333 with arginine.
Molecular consequence: missense variant.
Genome position (GRCh38, 1-based): chr18:22,172,142, A>G. VCF-style: chr18-22172142-A-G. GRCh37 (hg19) VCF-style: chr18-19752103-A-G.
Other names: short protein forms H333R.
Identifiers: ClinVar variation 4810459 (VCV004810459.1).